The following is an entry in ClinVar:

NM_001354712.2(THRB):c.1030G>C (p.Gly344Arg)

Gene: THRB (thyroid hormone receptor beta; minus strand). Cytogenetic location: 3p24.2.
Variant type: single nucleotide variant.
Coding change: c.1030G>C on transcript NM_001354712.2 (MANE Select); coding-DNA position 1030, G replaced by C.
Protein change: p.Gly344Arg; replaces glycine 344 with arginine.
Molecular consequence: missense variant. On other transcripts: intron variant (1).
Genome position (GRCh38, 1-based): chr3:24,127,613, C>G on the plus strand (G>C on the coding strand, the complement: THRB is on the minus strand). VCF-style: chr3-24127613-C-G. GRCh37 (hg19) VCF-style: chr3-24169104-C-G.
Other names: c.1030G>C, p.Gly344Arg (NM_000461.5, NM_001128176.3, NM_001128177.2 and 11 more transcripts); c.937G>C, p.Gly313Arg (NM_001354714.2, NM_001354715.2); c.973+57G>C (NM_001374827.1); short protein forms G313R, G344R.
Identifiers: ClinVar variation 4875115 (VCV004875115.2).

ClinVar aggregate classification (germline): Likely pathogenic (1 of 4 stars; one submission).

Submission:

CeGaT Center for Human Genetics Tuebingen
Classification: Likely pathogenic. Last evaluated: 2026-05-01. Review status: criteria provided, single submitter. Criteria: CeGaT Center For Human Genetics Tuebingen Variant Classification Criteria Version 2. Collection method: clinical testing. Allele origin: germline. Affected: yes. Observed: 1 variant allele.
Comment: THRB: PM1, PM2, PM5, PP2, PP3